The following is an entry in ClinVar:

ClinVar aggregate classification (germline): Likely pathogenic (1 of 4 stars; one submission).

Conditions:
Cardiovascular phenotype. Identifiers: MedGen CN230736.

Submission:

Ambry Genetics
Classification: Likely pathogenic for Cardiovascular phenotype. Last evaluated: 2023-06-26. Review status: criteria provided, single submitter. Criteria: Ambry Variant Classification Scheme 2023. Collection method: clinical testing. Allele origin: germline.
Comment: The c.17636delT variant, located in coding exon 70 of the TTN gene, results from a deletion of one nucleotide at nucleotide position 17636, causing a translational frameshift with a predicted alternate stop codon (p.F5879Sfs*2). This exon is located in the I-band region of the N2-B isoform of the titin protein and is constitutively expressed in TTN transcripts (percent spliced in or PSI 100%). This variant is considered to be rare based on population cohorts in the Genome Aggregation Database (gnomAD). This alteration is expected to result in loss of function by premature protein truncation or nonsense-mediated mRNA decay. While truncating variants in TTN are present in 1-3% of the general population, truncating variants in the A-band are the most common cause of dilated cardiomyopathy (DCM) (Herman DS et al. N. Engl. J. Med., 2012 Feb;366:619-28; Roberts AM et al. Sci Transl Med, 2015 Jan;7:270ra6). TTN truncating variants encoded in constitutive exons (PSI >90%) have been found to be significantly associated with DCM regardless of their position in titin (Schafer S et al. Nat. Genet., 2017 01;49:46-53). Based on the majority of available evidence to date, this variant is likely to be pathogenic.

NM_001267550.2(TTN):c.44831del (p.Phe14944fs)

Gene: TTN (titin; minus strand). Cytogenetic location: 2q31.2.
Variant type: Deletion.
Coding change: c.44831del on transcript NM_001267550.2 (MANE Select); coding-DNA position 44831, one base deleted (T; older notation c.44831delT).
Protein change: p.Phe14944fs; shifts the reading frame from phenylalanine 14944.
Molecular consequence: frameshift variant.
Genome position (GRCh38, 1-based): chr2:178,622,752, A deleted on the plus strand (T on the coding strand, the reverse complement: TTN is on the minus strand); the first of 2 consecutive A bases (chr2:178,622,752-178,622,753); deleting either gives the same sequence. VCF-style (leftmost placement, unchanged base first): chr2-178622751-GA-G. GRCh37 (hg19) VCF-style: chr2-179487478-GA-G.
Other names: c.39908del, p.Phe13303fs (NM_001256850.1); c.17636del, p.Phe5879fs (NM_003319.4); c.37127del, p.Phe12376fs (NM_133378.4); c.18011del, p.Phe6004fs (NM_133432.3); c.18212del, p.Phe6071fs (NM_133437.4); c.17636delT (NM_003319.4); short protein forms F5879fs, F6071fs, F6004fs, F13303fs, F14944fs, F12376fs.
Identifiers: ClinVar variation 2586513 (VCV002586513.2), dbSNP rs2471101614, ClinGen allele CA2582341685.